The following is an entry in ClinVar:

NM_006231.4(POLE):c.5275G>A (p.Asp1759Asn)

Gene: POLE (DNA polymerase epsilon, catalytic subunit; minus strand). Cytogenetic location: 12q24.33.
Variant type: single nucleotide variant.
Coding change: c.5275G>A on transcript NM_006231.4 (MANE Select); coding-DNA position 5275, G replaced by A.
Protein change: p.Asp1759Asn; replaces aspartic acid 1759 with asparagine.
Molecular consequence: missense variant.
Genome position (GRCh38, 1-based): chr12:132,641,750, C>T on the plus strand (G>A on the coding strand, the complement: POLE is on the minus strand). VCF-style: chr12-132641750-C-T. GRCh37 (hg19) VCF-style: chr12-133218336-C-T.
Other names: short protein forms D1759N.
Identifiers: ClinVar variation 540770 (VCV000540770.14), dbSNP rs768559928, ClinGen allele CA6892576.

ClinVar aggregate classification (germline): Conflicting classifications of pathogenicity. Review status: criteria provided, conflicting classifications (1 of 4 stars). 4 submissions from 4 submitters: Uncertain significance (3); Likely benign (1). Last evaluated 2025-10-21.

Conditions:
Facial dysmorphism-immunodeficiency-livedo-short stature syndrome. Also called: Facial dysmorphism, immunodeficiency, livedo, and short stature; FILS syndrome. Identifiers: Orphanet 352712, MedGen C3554576, MONDO:0014058, OMIM 615139.
Colorectal cancer, susceptibility to, 12 (CRCS12). Also called: COLORECTAL CANCER, SUSCEPTIBILITY TO, ON CHROMOSOME 12q24. Identifiers: Orphanet 220460, MedGen C3554460, MONDO:0014038, OMIM 615083.
Intrauterine growth retardation, metaphyseal dysplasia, adrenal hypoplasia congenita, genital anomalies, and immunodeficiency. Also called: IMAGEI SYNDROME. Identifiers: MedGen C5193036, MONDO:0032684, OMIM 618336.
POLE-related disorder. Also called: POLE-related disorders; POLE-related condition.
Hereditary cancer-predisposing syndrome. Also called: Neoplastic Syndromes, Hereditary; Hereditary Cancer Syndrome; Hereditary neoplastic syndrome; Tumor predisposition. Identifiers: Orphanet 140162, MedGen C0027672, MeSH D009386, MONDO:0015356.

Allele frequency attached by ClinVar (database versions not stated): gnomAD below 0.00001 and 0.00001; TOPMed below 0.00001; ExAC 0.00002; gnomAD exomes 0.00002.
gnomAD v4.1: 37 of 1,611,680 alleles (0.0023%); highest among the groups gnomAD compares: South Asian, 0.027%; no homozygotes.

Submissions (4):

Labcorp Genetics (formerly Invitae), Labcorp
Classification: Uncertain significance. Last evaluated: 2025-10-21. Review status: criteria provided, single submitter. Criteria: Invitae Variant Classification Sherloc (09022015). Collection method: clinical testing. Allele origin: germline.
Comment: This sequence change replaces aspartic acid, which is acidic and polar, with asparagine, which is neutral and polar, at codon 1759 of the POLE protein (p.Asp1759Asn). This variant is present in population databases (rs768559928, gnomAD 0.01%). This variant has not been reported in the literature in individuals affected with POLE-related conditions. ClinVar contains an entry for this variant (Variation ID: 540770). Invitae Evidence Modeling of protein sequence and biophysical properties (such as structural, functional, and spatial information, amino acid conservation, physicochemical variation, residue mobility, and thermodynamic stability) indicates that this missense variant is not expected to disrupt POLE protein function with a negative predictive value of 80%. In summary, the available evidence is currently insufficient to determine the role of this variant in disease. Therefore, it has been classified as a Variant of Uncertain Significance.

Ambry Genetics
Classification: Likely benign for Hereditary cancer-predisposing syndrome. Last evaluated: 2024-12-20. Review status: criteria provided, single submitter. Criteria: Ambry Variant Classification Scheme 2023. Collection method: clinical testing. Allele origin: germline.

Department of Pathology and Laboratory Medicine, Sinai Health System
Classification: Uncertain significance for Colorectal cancer, susceptibility to, 12; Facial dysmorphism-immunodeficiency-livedo-short stature syndrome; Intrauterine growth retardation, metaphyseal dysplasia, adrenal hypoplasia congenita, genital anomalies, and immunodeficiency. Last evaluated: 2024-01-31. Review status: criteria provided, single submitter. Criteria: ACMG Guidelines, 2015. Collection method: clinical testing. Allele origin: germline. Affected: no.

PreventionGenetics, part of Exact Sciences
Classification: Uncertain significance for POLE-related condition. Last evaluated: 2023-06-14. Review status: criteria provided, single submitter. Criteria: ACMG Guidelines, 2015. Collection method: clinical testing. Allele origin: germline.
Comment: The POLE c.5275G>A variant is predicted to result in the amino acid substitution p.Asp1759Asn. To our knowledge, this variant has not been reported in the literature. This variant is reported in 0.013% of alleles in individuals of South Asian descent in gnomAD. It is interpreted as uncertain in ClinVar. At this time, the clinical significance of this variant is uncertain due to the absence of conclusive functional and genetic evidence.